The following is an entry in ClinVar:

ClinVar aggregate classification (germline): Likely benign (1 of 4 stars; one submission).

Submission:

CeGaT Center for Human Genetics Tuebingen
Classification: Likely benign. Last evaluated: 2024-06-01. Review status: criteria provided, single submitter. Criteria: CeGaT Center For Human Genetics Tuebingen Variant Classification Criteria Version 2. Collection method: clinical testing. Allele origin: germline. Affected: yes. Observed: 1 variant allele.
Comment: PLXND1: PM2:Supporting, BP4, BP7

NM_015103.3(PLXND1):c.4065G>A (p.Val1355=)

Gene: PLXND1 (plexin D1; minus strand). Cytogenetic location: 3q22.1.
Variant type: single nucleotide variant.
Coding change: c.4065G>A on transcript NM_015103.3 (MANE Select); coding-DNA position 4065, G replaced by A.
Protein change: p.Val1355=; no amino-acid change (valine 1355 retained).
Molecular consequence: synonymous variant.
Genome position (GRCh38, 1-based): chr3:129,567,513, C>T on the plus strand (G>A on the coding strand, the complement: PLXND1 is on the minus strand). VCF-style: chr3-129567513-C-T. GRCh37 (hg19) VCF-style: chr3-129286356-C-T.
Identifiers: ClinVar variation 3251026 (VCV003251026.18), dbSNP rs2533137748.
Genomic context (GRCh38, chr3:129,567,513, plus strand): 5'-GCTGGCACAGGTTCAGGGCAGGCTCAGGCTCGGGCTGACCTTGGGGAAGAAGGTGCGGGT[C>T]ACGAAGTGCTTATACTCCAGGAAGGGGATGCCCTGGCTGCGGTTCAGCTCCTTGGTGAGA-3'
Protein context (NP_055918.3, residues 1345-1365): GIPFLEYKHF[Val1355=]TRTFFPKCSS